The following is an entry in ClinVar:

NM_178857.6(RP1L1):c.4906G>A (p.Glu1636Lys)

Gene: RP1L1 (RP1 like 1). Cytogenetic location: 8p23.1.
Variant type: single nucleotide variant.
Coding change: c.4906G>A on transcript NM_178857.6 (MANE Select); coding-DNA position 4906, G replaced by A.
Protein change: p.Glu1636Lys; replaces glutamic acid 1636 with lysine.
Molecular consequence: missense variant.
Genome position (GRCh38, 1-based): chr8:10,609,192, C>T on the plus strand (G>A on the coding strand, the complement: RP1L1 is on the minus strand). VCF-style: chr8-10609192-C-T. GRCh37 (hg19) VCF-style: chr8-10466702-C-T.
Other names: short protein forms E1636K.
Identifiers: ClinVar variation 361261 (VCV000361261.30), dbSNP rs80094376, ClinGen allele CA4623843.

ClinVar aggregate classification (germline): Benign/Likely benign. Review status: criteria provided, multiple submitters, no conflicts (2 of 4 stars). 5 submissions from 5 submitters: Benign (1); Likely benign (2). 2 of the submissions do not count toward it. Last evaluated 2024-11-11.

Conditions:
Occult macular dystrophy (OCMD). Also called: OMD; OCCULT MACULAR DYSTROPHY, SUSCEPTIBILITY TO. Identifiers: Orphanet 247834, MedGen C3150833, MONDO:0013316, OMIM 613587, HP:0030636.
RP1L1-related disorder. Also called: RP1L1-related condition.

Allele frequency attached by ClinVar (database versions not stated): gnomAD exomes 0.00028 and 0.00063; ExAC 0.00071; ESP Exome Variant Server 0.00229; gnomAD 0.00258 and 0.00276; TOPMed 0.00290; 1000 Genomes Project 0.00379; 1000 Genomes Project 30x 0.00422.
gnomAD v4.1: 811 of 1,611,860 alleles (0.05%); highest among the groups gnomAD compares: African/African-American, 0.92%; 2 homozygotes.

Submissions (5):

Blueprint Genetics
Classification: Likely benign. Last evaluated: 2024-11-11. Review status: criteria provided, single submitter. Criteria: ACMG Guidelines, 2015. Collection method: clinical testing. Allele origin: germline.

CeGaT Center for Human Genetics Tuebingen
Classification: Likely benign. Last evaluated: 2024-02-01. Review status: criteria provided, single submitter. Criteria: CeGaT Center For Human Genetics Tuebingen Variant Classification Criteria Version 2. Collection method: clinical testing. Allele origin: germline. Affected: yes. Observed: 1 variant allele.
Comment: RP1L1: BP4

Illumina Laboratory Services, Illumina
Classification: Benign for Occult macular dystrophy. Last evaluated: 2018-01-13. Review status: criteria provided, single submitter. Criteria: ICSL Variant Classification Criteria 13 December 2019. Collection method: clinical testing. Allele origin: germline.
Comment: This variant was observed in the ICSL laboratory as part of a predisposition screen in an ostensibly healthy population. It had not been previously curated by ICSL or reported in the Human Gene Mutation Database (HGMD: prior to June 1st, 2018), and was therefore a candidate for classification through an automated scoring system. Utilizing variant allele frequency, disease prevalence and penetrance estimates, and inheritance mode, an automated score was calculated to assess if this variant is too frequent to cause the disease. Based on the score and internal cut-off values, a variant classified as benign is not then subjected to further curation. The score for this variant resulted in a classification of benign for this disease.

PreventionGenetics, part of Exact Sciences
Classification: Benign for RP1L1-related condition. Last evaluated: 2019-06-05. Review status: no assertion criteria provided. Collection method: clinical testing. Allele origin: germline. Not counted in ClinVar's aggregate classification.
Comment: This variant is classified as benign based on ACMG/AMP sequence variant interpretation guidelines (Richards et al. 2015 PMID: 25741868, with internal and published modifications).

Department of Pathology and Laboratory Medicine, Sinai Health System
Classification: Likely benign. Review status: no assertion criteria provided. Collection method: clinical testing. Allele origin: unknown. Affected: yes. Study: The Canadian Open Genetics Repository (COGR). Not counted in ClinVar's aggregate classification.
Comment: The RP1L1 p.Glu1636Lys variant was not identified in the literature nor was it identified in LOVD 3.0. The variant was identified in dbSNP (ID: rs80094376) and ClinVar (classified as likely benign by Illumina for Occult Macular Dystrophy). The variant was identified in control databases in 237 of 277260 chromosomes (1 homozygous) at a frequency of 0.0008548 increasing the likelihood this could be a low frequency benign variant (Genome Aggregation Database March 6, 2019, v2.1.1). The variant was observed in the following populations: African in 219 of 23860 chromosomes (freq: 0.009179), Latino in 11 of 35266 chromosomes (freq: 0.000312), Other in 2 of 7106 chromosomes (freq: 0.000282), South Asian in 1 of 30562 chromosomes (freq: 0.000033) and European (non-Finnish) in 4 of 127238 chromosomes (freq: 0.000031), but was not observed in the Ashkenazi Jewish, East Asian, or European (Finnish) populations. The p.Glu1636 residue is not conserved in mammals and computational analyses (PolyPhen-2, SIFT, AlignGVGD, BLOSUM, MutationTaster) do not suggest a high likelihood of impact to the protein; however, this information is not predictive enough to rule out pathogenicity. The variant occurs outside of the splicing consensus sequence and in silico or computational prediction software programs (SpliceSiteFinder, MaxEntScan, NNSPLICE, GeneSplicer) do not predict a difference in splicing. In summary, based on the above information the clinical significance of this variant cannot be determined with certainty at this time although we would lean towards a more benign role for this variant. This variant is classified as likely benign.